The following is an entry in ClinVar:

NM_152743.4(BRAT1):c.2382C>T (p.His794=)

Gene: BRAT1 (BRCA1 associated ATM activator 1; minus strand). Cytogenetic location: 7p22.3.
Variant type: single nucleotide variant.
Coding change: c.2382C>T on transcript NM_152743.4 (MANE Select); coding-DNA position 2382, C replaced by T.
Protein change: p.His794=; no amino-acid change (histidine 794 retained).
Molecular consequence: synonymous variant. On other transcripts: non-coding transcript variant (1).
Genome position (GRCh38, 1-based): chr7:2,538,153, G>A on the plus strand (C>T on the coding strand, the complement: BRAT1 is on the minus strand). VCF-style: chr7-2538153-G-A. GRCh37 (hg19) VCF-style: chr7-2577787-G-A.
Other names: c.2562C>T, p.His854= (NM_001350626.2); c.1857C>T, p.His619= (NM_001350627.2).
Identifiers: ClinVar variation 1571276 (VCV001571276.21), dbSNP rs753289498, ClinGen allele CA152660279.
Genomic context (GRCh38, chr7:2,538,153, plus strand): 5'-CTGCAGGAAGCCTCCCGTGGCCAGCATGTCCTGCAGGAGGGACTGGGGACTCTTTTCCAC[G>A]TGGTCGCTGCTCTCGGCCAGCGTGCTCCGCAGGCCCTCCAGGTCTAGGGACCTGAGCATG-3'
Protein context (NP_689956.2, residues 784-804): LRSTLAESSD[His794=]VEKSPQSLLQ

ClinVar aggregate classification (germline): Likely benign. Review status: criteria provided, multiple submitters, no conflicts (2 of 4 stars). 2 submissions from 2 submitters: Likely benign (2). Last evaluated 2025-08-18.

Conditions:
Neonatal-onset encephalopathy with rigidity and seizures. Also called: Lethal neonatal spasticity-epileptic encephalopathy syndrome. Identifiers: Orphanet 435845, MedGen C3281029, MONDO:0013784, OMIM 614498.

Allele frequency attached by ClinVar (database versions not stated): TOPMed below 0.00001; gnomAD 0.00001.
gnomAD v4.1: 33 of 1,608,744 alleles (0.0021%); highest among the groups gnomAD compares: Non-Finnish European, 0.0025%; no homozygotes.

Submissions (2):

Labcorp Genetics (formerly Invitae), Labcorp
Classification: Likely benign for Neonatal-onset encephalopathy with rigidity and seizures. Last evaluated: 2025-08-18. Review status: criteria provided, single submitter. Criteria: Invitae Variant Classification Sherloc (09022015). Collection method: clinical testing. Allele origin: germline.

CeGaT Center for Human Genetics Tuebingen
Classification: Likely benign. Last evaluated: 2025-01-01. Review status: criteria provided, single submitter. Criteria: CeGaT Center For Human Genetics Tuebingen Variant Classification Criteria Version 2. Collection method: clinical testing. Allele origin: germline. Affected: yes. Observed: 1 variant allele.
Comment: BRAT1: BP4, BP7